The following is an entry in ClinVar:

NM_001206744.2(TPO):c.*54C>T

Genes: TPO (thyroid peroxidase; plus strand), LALTOP (lung cancer associated lncRNA targeting TOP2A; minus strand). Cytogenetic location: 2p25.3.
Variant type: single nucleotide variant.
Coding change: c.*54C>T on transcript NM_001206744.2 (MANE Select); 54 bases downstream of the stop codon, C replaced by T.
Molecular consequence: 3 prime UTR variant.
Genome position (GRCh38, 1-based): chr2:1,542,528, C>T. VCF-style: chr2-1542528-C-T. GRCh37 (hg19) VCF-style: chr2-1546300-C-T.
Other names: c.*54C>T (NM_000547.6, NM_001206745.2, NM_175719.4 and 2 more transcripts).
Identifiers: ClinVar variation 894728 (VCV000894728.5), dbSNP rs180847489, ClinGen allele CA1512372.

ClinVar aggregate classification (germline): Uncertain significance. Review status: criteria provided, multiple submitters, no conflicts (2 of 4 stars). 2 submissions from 2 submitters: Uncertain significance (2). Last evaluated 2023-05-09.

Conditions:
Deficiency of iodide peroxidase (TDH2A). Also called: HYPOTHYROIDISM, CONGENITAL, DUE TO DYSHORMONOGENESIS, 2A; IODIDE PEROXIDASE DEFICIENCY; THYROID HORMONOGENESIS, GENETIC DEFECT IN, 2A; THYROID PEROXIDASE DEFICIENCY; Thyroid dyshormonogenesis 2A. Identifiers: Orphanet 95716, MedGen C1291299, MONDO:0010133, OMIM 274500.

Allele frequency attached by ClinVar (database versions not stated): 1000 Genomes Project 0.00080; gnomAD 0.00097 and 0.00099; TOPMed 0.00134; ESP Exome Variant Server 0.00219.
gnomAD v4.1: 2,351 of 1,610,668 alleles (0.15%); highest among the groups gnomAD compares: Non-Finnish European, 0.17%; 1 homozygote.

Submissions (2):

Women's Health and Genetics/Laboratory Corporation of America, LabCorp
Classification: Uncertain significance. Last evaluated: 2023-05-09. Review status: criteria provided, single submitter. Criteria: LabCorp Variant Classification Summary - May 2015. Collection method: clinical testing. Allele origin: germline.
Comment: Variant summary: TPO c.*54C>T is located in the untranslated mRNA region downstream of the termination codon. The variant allele was found at a frequency of 0.00087 in 242810 control chromosomes. This frequency is not significantly higher than estimated for a pathogenic variant in TPO causing Deficiency Of Iodide Peroxidase (0.00087 vs 0.0071), allowing no conclusion about variant significance. To our knowledge, no occurrence of c.*54C>T in individuals affected with Deficiency Of Iodide Peroxidase and no experimental evidence demonstrating its impact on protein function have been reported. One clinical diagnostic laboratory has submitted clinical-significance assessments for this variant to ClinVar after 2014 and classified the variant as uncertain significance. Based on the evidence outlined above, the variant was classified as uncertain significance.

Illumina Laboratory Services, Illumina
Classification: Uncertain significance for Deficiency of iodide peroxidase. Last evaluated: 2018-01-13. Review status: criteria provided, single submitter. Criteria: ICSL Variant Classification Criteria 13 December 2019. Collection method: clinical testing. Allele origin: germline.